The following is an entry in ClinVar:

NM_001378964.1(CDON):c.3764C>T (p.Thr1255Ile)

Gene: CDON (cell adhesion associated, oncogene regulated; minus strand). Cytogenetic location: 11q24.2.
Variant type: single nucleotide variant.
Coding change: c.3764C>T on transcript NM_001378964.1 (MANE Select); coding-DNA position 3764, C replaced by T.
Protein change: p.Thr1255Ile; replaces threonine 1255 with isoleucine.
Molecular consequence: missense variant.
Genome position (GRCh38, 1-based): chr11:125,960,973, G>A on the plus strand (C>T on the coding strand, the complement: CDON is on the minus strand). VCF-style: chr11-125960973-G-A. GRCh37 (hg19) VCF-style: chr11-125830868-G-A.
Other names: c.3833C>T, p.Thr1278Ile (NM_001243597.3); c.3764C>T, p.Thr1255Ile (NM_016952.6); short protein forms T1278I, T1255I.
Identifiers: ClinVar variation 2899797 (VCV002899797.3), dbSNP rs1378612877, ClinGen allele CA383212618.

ClinVar aggregate classification (germline): Uncertain significance (1 of 4 stars; one submission).

Conditions:
Holoprosencephaly 11 (HPE11). Identifiers: Orphanet 2162, MedGen C3280215, MONDO:0013642, OMIM 614226.

Allele frequency attached by ClinVar (database versions not stated): gnomAD exomes below 0.00001; TOPMed below 0.00001; gnomAD 0.00001.
gnomAD v4.1: 7 of 1,614,120 alleles (0.00043%); highest among the groups gnomAD compares: East Asian, 0.011%; no homozygotes.

Submission:

Labcorp Genetics (formerly Invitae), Labcorp
Classification: Uncertain significance for Holoprosencephaly 11. Last evaluated: 2023-08-17. Review status: criteria provided, single submitter. Criteria: Invitae Variant Classification Sherloc (09022015). Collection method: clinical testing. Allele origin: germline.
Comment: In summary, the available evidence is currently insufficient to determine the role of this variant in disease. Therefore, it has been classified as a Variant of Uncertain Significance. An algorithm developed to predict the effect of missense changes on protein structure and function (PolyPhen-2) suggests that this variant is likely to be tolerated. This variant has not been reported in the literature in individuals affected with CDON-related conditions. This variant is present in population databases (no rsID available, gnomAD 0.006%). This sequence change replaces threonine, which is neutral and polar, with isoleucine, which is neutral and non-polar, at codon 1255 of the CDON protein (p.Thr1255Ile).